The following is an entry in ClinVar:

NM_001378454.1(ALMS1):c.10668del (p.Asn3556fs)

Gene: ALMS1 (ALMS1 centrosome and basal body associated protein; plus strand). Cytogenetic location: 2p13.1.
Variant type: Deletion.
Coding change: c.10668del on transcript NM_001378454.1 (MANE Select); coding-DNA position 10668, one base deleted (C; older notation c.10668delC).
Protein change: p.Asn3556fs; shifts the reading frame from asparagine 3556.
Molecular consequence: frameshift variant.
Genome position (GRCh38, 1-based): chr2:73,572,545, C deleted. VCF-style (leftmost placement, unchanged base first): chr2-73572544-AC-A. GRCh37 (hg19) VCF-style: chr2-73799671-AC-A.
Other names: c.10671del, p.Asn3557fs (NM_015120.4); short protein forms N3556fs, N3557fs.
Identifiers: ClinVar variation 1455559 (VCV001455559.6), dbSNP rs2104104628, ClinGen allele CA2573135804.
Genomic context (GRCh38, chr2:73,572,544, plus strand): 5'-ACAAGACTAAGACAGATTATACCAGAATAAAGAGCCTCAGCATCAATGTGAATTTGGGAA[AC>A]AAAGAAGTGATGGATACTACTAAAAGTCAAGTTAGAGATTATCCAAAACATAATGGACAA-3'

ClinVar aggregate classification (germline): Pathogenic (1 of 4 stars; one submission).

Conditions:
Alstrom syndrome (ALMS). Identifiers: Orphanet 64, MedGen C0268425, MONDO:0008763, OMIM 203800.

Submission:

Labcorp Genetics (formerly Invitae), Labcorp
Classification: Pathogenic for Alstrom syndrome. Last evaluated: 2021-06-08. Review status: criteria provided, single submitter. Criteria: Invitae Variant Classification Sherloc (09022015). Collection method: clinical testing. Allele origin: germline.
Comment: For these reasons, this variant has been classified as Pathogenic. This variant has not been reported in the literature in individuals with ALMS1-related conditions. This variant is not present in population databases (ExAC no frequency). This sequence change creates a premature translational stop signal (p.Asn3557Lysfs*4) in the ALMS1 gene. It is expected to result in an absent or disrupted protein product. Loss-of-function variants in ALMS1 are known to be pathogenic (PMID: 17594715).

Literature cited by the submitters: PubMed 17594715.